The following is an entry in ClinVar:

ClinVar aggregate classification (germline): Conflicting classifications of pathogenicity. Review status: criteria provided, conflicting classifications (1 of 4 stars). 3 submissions from 3 submitters: Uncertain significance (2); Benign (1). Last evaluated 2025-05-29.

Conditions:
Hereditary cancer-predisposing syndrome. Also called: Hereditary Cancer Syndrome; Tumor predisposition; Neoplastic Syndromes, Hereditary; Hereditary neoplastic syndrome. Identifiers: Orphanet 140162, MedGen C0027672, MeSH D009386, MONDO:0015356.
Tuberous sclerosis syndrome (TSC). Also called: Tuberous sclerosis; Tuberous Sclerosis Complex. Identifiers: Orphanet 805, MedGen C0041341, MONDO:0001734.
Tuberous sclerosis 2 (TSC2). Identifiers: Orphanet 805, MedGen C1860707, MONDO:0013199, OMIM 613254.

Allele frequency attached by ClinVar (database versions not stated): gnomAD exomes below 0.00001.
gnomAD v4.1: 1 of 1,612,946 alleles (0.000062%); highest among the groups gnomAD compares: East Asian, 0.0022%; no homozygotes.

Submissions (3):

Ambry Genetics
Classification: Uncertain significance for Hereditary cancer-predisposing syndrome. Last evaluated: 2025-05-29. Review status: criteria provided, single submitter. Criteria: Ambry Variant Classification Scheme 2023. Collection method: clinical testing. Allele origin: germline.
Comment: The p.G1157A variant (also known as c.3470G>C), located in coding exon 29 of the TSC2 gene, results from a G to C substitution at nucleotide position 3470. The glycine at codon 1157 is replaced by alanine, an amino acid with similar properties. This amino acid position is highly conserved in available vertebrate species. In addition, this alteration is predicted to be deleterious by in silico analysis. Based on the available evidence, the clinical significance of this variant remains unclear.

All of Us Research Program, National Institutes of Health
Classification: Uncertain significance for Tuberous sclerosis syndrome. Last evaluated: 2023-12-01. Review status: criteria provided, single submitter. Criteria: ACMG Guidelines, 2015. Collection method: clinical testing. Allele origin: germline. Inheritance: Autosomal dominant inheritance. Observed: 1 variant allele, 1 heterozygote.
Comment: This study involves interpretation of variants in research participants for the purpose of population health screening. Participant phenotype was not available at the time of variant classification. Additional details can be found in publication PMID: 35346344, PMCID: PMC8962531

Labcorp Genetics (formerly Invitae), Labcorp
Classification: Benign for Tuberous sclerosis 2. Last evaluated: 2023-10-16. Review status: criteria provided, single submitter. Criteria: Invitae Variant Classification Sherloc (09022015). Collection method: clinical testing. Allele origin: germline.

NM_000548.5(TSC2):c.3470G>C (p.Gly1157Ala)

Gene: TSC2 (TSC complex subunit 2; plus strand). Cytogenetic location: 16p13.3.
Variant type: single nucleotide variant.
Coding change: c.3470G>C on transcript NM_000548.5 (MANE Select); coding-DNA position 3470, G replaced by C.
Protein change: p.Gly1157Ala; replaces glycine 1157 with alanine.
Molecular consequence: missense variant.
Genome position (GRCh38, 1-based): chr16:2,080,237, G>C. VCF-style: chr16-2080237-G-C. GRCh37 (hg19) VCF-style: chr16-2130238-G-C.
Other names: c.3338G>C, p.Gly1113Ala (NM_001077183.3, NM_001370404.1); c.3470G>C, p.Gly1157Ala (NM_001114382.3); c.3230G>C, p.Gly1077Ala (NM_001318827.2); c.3194G>C, p.Gly1065Ala (NM_001318829.2); c.2738G>C, p.Gly913Ala (NM_001318831.2); c.3371G>C, p.Gly1124Ala (NM_001318832.2); c.3341G>C, p.Gly1114Ala (NM_001363528.2, NM_001370405.1, NM_021055.3); short protein forms G1065A, G1157A, G913A, G1077A, G1114A, G1124A, G1113A.
Identifiers: ClinVar variation 648676 (VCV000648676.11), dbSNP rs1477039147, ClinGen allele CA394288926.